The following is an entry in ClinVar:

Conditions:
Breast-ovarian cancer, familial, susceptibility to, 1 (BROVCA1). Also called: BRCA1 Hereditary Breast and Ovarian Cancer; OVARIAN CANCER, SUSCEPTIBILITY TO. Identifiers: Orphanet 145, MedGen C2676676, MONDO:0011450, OMIM 604370. Disease mechanism: loss of function.

Submission:

Brotman Baty Institute, University of Washington
No classification provided (evidence only). Condition: Breast-ovarian cancer, familial 1. Review status: no classification provided. Collection method: in vitro. Allele origin: not applicable. Functional consequence: functionally_abnormal.
ClinVar note: "not provided" was previously submitted as the classification for the variant. However, the classification appeared to be based only on an observation of functional data so it was converted to no classification on 2025-07-30.

NM_007294.4(BRCA1):c.5348T>G (p.Met1783Arg)

Gene: BRCA1 (BRCA1 DNA repair associated; minus strand). Cytogenetic location: 17q21.31.
Variant type: single nucleotide variant.
Coding change: c.5348T>G on transcript NM_007294.4 (MANE Select); coding-DNA position 5348, T replaced by G.
Protein change: p.Met1783Arg; replaces methionine 1783 with arginine.
Molecular consequence: missense variant. On other transcripts: non-coding transcript variant (1), intron variant (1).
Genome position (GRCh38, 1-based): chr17:43,049,179, A>C on the plus strand (T>G on the coding strand, the complement: BRCA1 is on the minus strand). VCF-style: chr17-43049179-A-C. GRCh37 (hg19) VCF-style: chr17-41201196-A-C.
Other names: c.5135T>G, p.Met1712Arg (NM_001407571.1, NM_001407894.1, NM_001407895.1 and 12 more transcripts); c.5414T>G, p.Met1805Arg (NM_001407581.1, NM_001407582.1); c.5411T>G, p.Met1804Arg (NM_001407583.1, NM_001407585.1, NM_001407587.1 and 1 more transcripts); c.5408T>G, p.Met1803Arg (NM_001407590.1, NM_001407591.1); c.5348T>G, p.Met1783Arg (NM_001407593.1, NM_001407594.1, NM_001407596.1 and 5 more transcripts); c.5345T>G, p.Met1782Arg (NM_001407613.1, NM_001407614.1, NM_001407615.1 and 14 more transcripts); c.5342T>G, p.Met1781Arg (NM_001407632.1, NM_001407633.1, NM_001407634.1 and 13 more transcripts); c.5270T>G, p.Met1757Arg (NM_001407654.1, NM_001407655.1, NM_001407652.1 and 1 more transcripts); and 73 more; short protein forms M679R, M1736R, M1783R, M1804R, M1655R, M1671R, M1740R, M1756R.
Identifiers: ClinVar variation 865644 (VCV000865644.3), dbSNP rs55808233, ClinGen allele CA10590766.